The following is an entry in ClinVar:

ClinVar aggregate classification (germline): Pathogenic (1 of 4 stars; one submission).

Conditions:
Neurofibromatosis, type 1 (NF1). Also called: Neurofibromatosis, type I; VON RECKLINGHAUSEN DISEASE; NEUROFIBROMATOSIS, TYPE I, SOMATIC; Peripheral type neurofibromatosis. Identifiers: Orphanet 636, MedGen C0027831, MONDO:0018975, OMIM 162200. Disease mechanism: loss of function.

Submission:

Juno Genomics, Hangzhou Juno Genomics, Inc
Classification: Pathogenic for Neurofibromatosis, type 1. Review status: criteria provided, single submitter. Criteria: ACMG Guidelines, 2015. Collection method: clinical testing. Allele origin: germline. Affected: yes.
Comment: Absent from controls (or at extremely low frequency if recessive) in Genome Aggregation Database, Exome Sequencing Project, 1000 Genomes Project, or Exome Aggregation Consortium.;Null variant in a gene where loss of function (LOF) is a known mechanism of disease.;Patient's phenotype or family history is highly specific for a disease with a single genetic etiology.

NM_001042492.3(NF1):c.6066_6070dup (p.Gly2024fs)

Gene: NF1 (neurofibromin 1; plus strand). Cytogenetic location: 17q11.2.
Variant type: Duplication.
Coding change: c.6066_6070dup on transcript NM_001042492.3 (MANE Select); coding-DNA positions 6066 to 6070, 5 bases duplicated (CTTGG; older notation c.6066_6070dupCTTGG).
Protein change: p.Gly2024fs; shifts the reading frame from glycine 2024.
Molecular consequence: frameshift variant.
Genome position (GRCh38, 1-based): chr17:31,336,392-31,336,396, CTTGG duplicated; duplicating any 5 consecutive bases within chr17:31,336,389-31,336,396 gives the same sequence; the c. name uses the placement nearest the transcript's 3' end. VCF-style (leftmost placement, unchanged base first): chr17-31336388-G-GTGGCT. GRCh37 (hg19) VCF-style: chr17-29663406-G-GTGGCT.
Other names: c.6003_6007dup, p.Gly2003Alafs (NM_000267.4); short protein forms G2003fs, G2024fs.
Identifiers: ClinVar variation 3382231 (VCV003382231.2).